The following is an entry in ClinVar:

NM_031935.3(HMCN1):c.16430_16431del (p.Leu5477fs)

Genes: HMCN1 (hemicentin 1; plus strand), LOC126805953 (P300/CBP strongly-dependent group 1 enhancer GRCh37_chr1:186156636-186157835; plus strand). Cytogenetic location: 1q31.1.
Variant type: Deletion.
Coding change: c.16430_16431del on transcript NM_031935.3 (MANE Select); coding-DNA positions 16430 to 16431, 2 bases deleted (TG; older notation c.16430_16431delTG).
Protein change: p.Leu5477fs; shifts the reading frame from leucine 5477.
Molecular consequence: frameshift variant.
Genome position (GRCh38, 1-based): chr1:186,187,898-186,187,899, TG deleted. VCF-style (leftmost placement, unchanged base first): chr1-186187897-CTG-C. GRCh37 (hg19) VCF-style: chr1-186157029-CTG-C.
Other names: short protein forms L5477fs.
Identifiers: ClinVar variation 2061143 (VCV002061143.4), dbSNP rs1434648936, ClinGen allele CA527671520.

ClinVar aggregate classification (germline): Uncertain significance (1 of 4 stars; one submission).

Allele frequency attached by ClinVar (database versions not stated): gnomAD exomes below 0.00001; TOPMed below 0.00001; gnomAD 0.00001.

Submission:

Labcorp Genetics (formerly Invitae), Labcorp
Classification: Uncertain significance. Last evaluated: 2021-12-25. Review status: criteria provided, single submitter. Criteria: Invitae Variant Classification Sherloc (09022015). Collection method: clinical testing. Allele origin: germline.
Comment: In summary, the available evidence is currently insufficient to determine the role of this variant in disease. Therefore, it has been classified as a Variant of Uncertain Significance. Experimental studies and prediction algorithms are not available or were not evaluated, and the functional significance of this variant is currently unknown. This variant has not been reported in the literature in individuals affected with HMCN1-related conditions. This variant is present in population databases (no rsID available, gnomAD 0.007%). This sequence change creates a premature translational stop signal (p.Leu5477Argfs*47) in the HMCN1 gene. While this is not anticipated to result in nonsense mediated decay, it is expected to disrupt the last 159 amino acid(s) of the HMCN1 protein.